The following is an entry in ClinVar:

ClinVar aggregate classification (germline): Pathogenic (1 of 4 stars; one submission).

Conditions:
Spinal muscular atrophy with congenital bone fractures 2 (SMABF2). Identifiers: MedGen C4225176, MONDO:0014807, OMIM 616867.

Submission:

Kasturba Medical College, Manipal, Kasturba Medical College, Manipal, Manipal Academy of Higher Education, Manipal, India
Classification: Pathogenic for Spinal muscular atrophy with congenital bone fractures 2. Review status: criteria provided, single submitter. Criteria: ACMG Guidelines, 2015. Collection method: clinical testing. Allele origin: biparental. Inheritance: Autosomal recessive inheritance. Observed: 1 homozygote.
Comment: In-silico tools (CADD_phred and Mutation Taster) predict the variant to be disease-causing. The variant c.79C>T likely introduces a premature termination codon, which may either result in a truncated protein or trigger nonsense-mediated decay.

NM_001198800.3(ASCC1):c.79C>T (p.Gln27Ter)

Gene: ASCC1 (activating signal cointegrator 1 complex subunit 1; minus strand). Cytogenetic location: 10q22.1.
Variant type: single nucleotide variant.
Coding change: c.79C>T on transcript NM_001198800.3 (MANE Select); coding-DNA position 79, C replaced by T.
Protein change: p.Gln27Ter; replaces glutamine 27 with a stop codon.
Molecular consequence: nonsense. On other transcripts: 5 prime UTR variant (5), non-coding transcript variant (1).
Genome position (GRCh38, 1-based): chr10:72,213,220, G>A on the plus strand (C>T on the coding strand, the complement: ASCC1 is on the minus strand). VCF-style: chr10-72213220-G-A. GRCh37 (hg19) VCF-style: chr10-73972978-G-A.
Other names: c.79C>T, p.Gln27Ter (NM_001198798.2, NM_001198799.3, NM_001369087.1 and 19 more transcripts); c.145C>T, p.Gln49Ter (NM_001369085.1, NM_001369086.1, NM_001369099.1); c.-137C>T (NM_001369101.1, NM_001369102.1, NM_001369105.1 and 2 more transcripts); short protein forms Q27*, Q49*.
Identifiers: ClinVar variation 3340123 (VCV003340123.1).